The following is an entry in ClinVar:

ClinVar aggregate classification (germline): Uncertain significance (1 of 4 stars; one submission).

Submission:

Labcorp Genetics (formerly Invitae), Labcorp
Classification: Uncertain significance. Last evaluated: 2024-08-02. Review status: criteria provided, single submitter. Criteria: Invitae Variant Classification Sherloc (09022015). Collection method: clinical testing. Allele origin: germline.
Comment: This sequence change replaces valine, which is neutral and non-polar, with leucine, which is neutral and non-polar, at codon 2069 of the KMT2A protein (p.Val2069Leu). This variant is not present in population databases (gnomAD no frequency). This variant has not been reported in the literature in individuals affected with KMT2A-related conditions. Advanced modeling of protein sequence and biophysical properties (such as structural, functional, and spatial information, amino acid conservation, physicochemical variation, residue mobility, and thermodynamic stability) performed at Invitae indicates that this missense variant is not expected to disrupt KMT2A protein function with a negative predictive value of 95%. In summary, the available evidence is currently insufficient to determine the role of this variant in disease. Therefore, it has been classified as a Variant of Uncertain Significance.

NM_001197104.2(KMT2A):c.6205G>T (p.Val2069Leu)

Gene: KMT2A (lysine methyltransferase 2A; plus strand). Cytogenetic location: 11q23.3.
Variant type: single nucleotide variant.
Coding change: c.6205G>T on transcript NM_001197104.2 (MANE Select); coding-DNA position 6205, G replaced by T.
Protein change: p.Val2069Leu; replaces valine 2069 with leucine.
Molecular consequence: missense variant.
Genome position (GRCh38, 1-based): chr11:118,501,033, G>T. VCF-style: chr11-118501033-G-T. GRCh37 (hg19) VCF-style: chr11-118371748-G-T.
Other names: c.6295G>T, p.Val2099Leu (NM_001412597.1); c.6196G>T, p.Val2066Leu (NM_005933.4); short protein forms V2099L, V2069L, V2066L.
Identifiers: ClinVar variation 3634327 (VCV003634327.2).